The following is an entry in ClinVar:

NM_032793.5(MFSD2A):c.1529+3G>A

Gene: MFSD2A (MFSD2 lysolipid transporter A, lysophospholipid; plus strand). Cytogenetic location: 1p34.2.
Variant type: single nucleotide variant.
Coding change: c.1529+3G>A on transcript NM_032793.5 (MANE Select); 3 bases into the intron after coding-DNA position 1529, G replaced by A.
Molecular consequence: intron variant.
Genome position (GRCh38, 1-based): chr1:39,968,748, G>A. VCF-style: chr1-39968748-G-A. GRCh37 (hg19) VCF-style: chr1-40434420-G-A.
Other names: c.1568+3G>A (NM_001136493.3); c.1445+3G>A (NM_001349822.2); c.1184+3G>A (NM_001349823.2); c.1412+3G>A (NM_001287809.2); c.1061+3G>A (NM_001287808.2); c.1523+3G>A (NM_001349821.2).
Identifiers: ClinVar variation 2070298 (VCV002070298.2), dbSNP rs748272331, ClinGen allele CA789005.

ClinVar aggregate classification (germline): Uncertain significance. Review status: criteria provided, multiple submitters, no conflicts (2 of 4 stars). 2 submissions from 2 submitters: Uncertain significance (2). Last evaluated 2022-10-14.

Conditions:
Inborn genetic diseases. Identifiers: MedGen C0950123, MeSH D030342.

Allele frequency attached by ClinVar (database versions not stated): gnomAD exomes 0.00001; TOPMed 0.00001; ExAC 0.00002.
gnomAD v4.1: 9 of 1,614,056 alleles (0.00056%); highest among the groups gnomAD compares: Admixed American, 0.013%; no homozygotes.

Submissions (2):

Labcorp Genetics (formerly Invitae), Labcorp
Classification: Uncertain significance. Last evaluated: 2022-10-14. Review status: criteria provided, single submitter. Criteria: Invitae Variant Classification Sherloc (09022015). Collection method: clinical testing. Allele origin: germline.
Comment: This sequence change falls in intron 13 of the MFSD2A gene. It does not directly change the encoded amino acid sequence of the MFSD2A protein. It affects a nucleotide within the consensus splice site. This variant is present in population databases (rs748272331, gnomAD 0.02%). This variant has not been reported in the literature in individuals affected with MFSD2A-related conditions. Variants that disrupt the consensus splice site are a relatively common cause of aberrant splicing (PMID: 17576681, 9536098). Algorithms developed to predict the effect of sequence changes on RNA splicing suggest that this variant is not likely to affect RNA splicing. In summary, the available evidence is currently insufficient to determine the role of this variant in disease. Therefore, it has been classified as a Variant of Uncertain Significance.

Ambry Genetics
Classification: Uncertain significance for Inborn genetic diseases. Last evaluated: 2022-06-17. Review status: criteria provided, single submitter. Criteria: Ambry Variant Classification Scheme 2023. Collection method: clinical testing. Allele origin: germline.
Comment: The c.1568+3G>A intronic alteration consists of a G to A substitution nucleotides after coding exon 13 in the MFSD2A gene. Based on insufficient or conflicting evidence, the clinical significance of this alteration remains unclear.

Literature cited by the submitters: PubMed 17576681 (cited by Labcorp Genetics (formerly Invitae), Labcorp); PubMed 9536098 (cited by Labcorp Genetics (formerly Invitae), Labcorp).